The following is an entry in ClinVar:

ClinVar aggregate classification (germline): Likely benign. Review status: reviewed by expert panel (3 of 4 stars). 4 submissions from 4 submitters: Likely benign (1). 3 of the submissions do not count toward it. Last evaluated 2017-06-29.

Conditions:
Breast-ovarian cancer, familial, susceptibility to, 2 (BROVCA2). Also called: BRCA2 Hereditary Breast and Ovarian Cancer. Identifiers: Orphanet 145, MedGen C2675520, MONDO:0012933, OMIM 612555. Disease mechanism: loss of function.
Hereditary cancer-predisposing syndrome. Also called: Hereditary neoplastic syndrome; Tumor predisposition; Neoplastic Syndromes, Hereditary; Hereditary Cancer Syndrome. Identifiers: Orphanet 140162, MedGen C0027672, MeSH D009386, MONDO:0015356.
Hereditary breast ovarian cancer syndrome. Also called: BRCA1- and BRCA2-Associated Hereditary Breast and Ovarian Cancer; Hereditary breast and/or ovarian cancer syndrome; Hereditary breast and ovarian cancer; Hereditary breast and ovarian cancer syndrome; Hereditary breast and ovarian cancer syndrome (HBOC); Breast and ovarian cancer. Identifiers: Orphanet 145, MedGen C0677776, MeSH D061325, MONDO:0003582. Disease mechanism: loss of function.

Allele frequency attached by ClinVar (database versions not stated): ExAC 0.00001; gnomAD 0.00001; gnomAD exomes 0.00001 and below 0.00001; 1000 Genomes Project 30x 0.00016; 1000 Genomes Project 0.00020.
gnomAD v4.1: 4 of 1,603,780 alleles (0.00025%); highest among the groups gnomAD compares: South Asian, 0.0034%; no homozygotes.

Submissions (4):

Evidence-based Network for the Interpretation of Germline Mutant Alleles (ENIGMA)
Classification: Likely benign for Breast-ovarian cancer, familial, susceptibility to, 2. Last evaluated: 2017-06-29. Review status: reviewed by expert panel. Criteria: ENIGMA BRCA1/2 Classification Criteria (2017-06-29). Collection method: curation. Allele origin: germline.
Comment: Synonymous substitution variant, with low bioinformatic likelihood to result in a splicing aberration (Splicing prior probability 0.02).

Ambry Genetics
Classification: Likely benign for Hereditary cancer-predisposing syndrome. Last evaluated: 2025-07-05. Review status: criteria provided, single submitter. Criteria: Ambry Variant Classification Scheme 2023. Collection method: clinical testing. Allele origin: germline. Not counted in ClinVar's aggregate classification.

Labcorp Genetics (formerly Invitae), Labcorp
Classification: Likely benign for Hereditary breast ovarian cancer syndrome. Last evaluated: 2024-12-11. Review status: criteria provided, single submitter. Criteria: Invitae Variant Classification Sherloc (09022015). Collection method: clinical testing. Allele origin: germline. Not counted in ClinVar's aggregate classification.

Color Diagnostics, LLC DBA Color Health
Classification: Likely benign for Hereditary cancer-predisposing syndrome. Last evaluated: 2022-04-20. Review status: criteria provided, single submitter. Criteria: ACMG Guidelines, 2015. Collection method: clinical testing. Allele origin: germline. Not counted in ClinVar's aggregate classification.

NM_000059.4(BRCA2):c.1968T>A (p.Thr656=)

Gene: BRCA2 (BRCA2 DNA repair associated; plus strand). Cytogenetic location: 13q13.1.
Variant type: single nucleotide variant.
Coding change: c.1968T>A on transcript NM_000059.4 (MANE Select); coding-DNA position 1968, T replaced by A.
Protein change: p.Thr656=; no amino-acid change (threonine 656 retained).
Molecular consequence: synonymous variant.
Genome position (GRCh38, 1-based): chr13:32,336,323, T>A. VCF-style: chr13-32336323-T-A. GRCh37 (hg19) VCF-style: chr13-32910460-T-A.
Identifiers: ClinVar variation 427536 (VCV000427536.8), dbSNP rs527579384, ClinGen allele CA6940569.
Genomic context (GRCh38, chr13:32,336,323, plus strand): 5'-AGGTTTATTGCATTCTTCTGTGAAAAGAAGCTGTTCACAGAATGATTCTGAAGAACCAAC[T>A]TTGTCCTTAACTAGCTCTTTTGGGACAATTCTGAGGAAATGTTCTAGAAATGAAACATGT-3'
Protein context (NP_000050.3, residues 646-666): SCSQNDSEEP[Thr656=]LSLTSSFGTI